The following is an entry in ClinVar:

ClinVar aggregate classification (germline): Pathogenic (1 of 4 stars; one submission).

Conditions:
KBG syndrome (KBGS). Also called: ANKRD11-Related KBG Syndrome. Identifiers: Orphanet 2332, MedGen C0220687, MONDO:0007846, OMIM 148050.

Submission:

Labcorp Genetics (formerly Invitae), Labcorp
Classification: Pathogenic for KBG syndrome. Last evaluated: 2025-05-19. Review status: criteria provided, single submitter. Criteria: Invitae Variant Classification Sherloc (09022015). Collection method: clinical testing. Allele origin: germline.
Comment: This sequence change creates a premature translational stop signal (p.Ser935Phefs*83) in the ANKRD11 gene. It is expected to result in an absent or disrupted protein product. Loss-of-function variants in ANKRD11 are known to be pathogenic (PMID: 21782149, 25125236, 25413698, 25652421). This variant is not present in population databases (gnomAD no frequency). This variant has not been reported in the literature in individuals affected with ANKRD11-related conditions. ClinVar contains an entry for this variant (Variation ID: 2744129). For these reasons, this variant has been classified as Pathogenic.

Literature cited by the submitters: PubMed 21782149; PubMed 25125236; PubMed 25413698; PubMed 25652421.

NM_013275.6(ANKRD11):c.2803dup (p.Ser935fs)

Gene: ANKRD11 (ankyrin repeat domain 11; minus strand). Cytogenetic location: 16q24.3.
Variant type: Duplication.
Coding change: c.2803dup on transcript NM_013275.6 (MANE Select); coding-DNA position 2803, one base duplicated (T; older notation c.2803dupT).
Protein change: p.Ser935fs; shifts the reading frame from serine 935.
Molecular consequence: frameshift variant.
Genome position (GRCh38, 1-based): chr16:89,283,739, A duplicated on the plus strand (T on the coding strand, the reverse complement: ANKRD11 is on the minus strand); the first of 3 consecutive A bases (chr16:89,283,739-89,283,741); duplicating any one gives the same sequence. VCF-style (leftmost placement, unchanged base first): chr16-89283738-G-GA. GRCh37 (hg19) VCF-style: chr16-89350146-G-GA.
Other names: c.2803dup, p.Ser935fs (NM_001256182.2, NM_001256183.2); short protein forms S935fs.
Identifiers: ClinVar variation 2744129 (VCV002744129.3), dbSNP rs2544239869, ClinGen allele CA2697556091.